The following is an entry in ClinVar:

NM_012243.3(SLC35A3):c.-3A>G

Gene: SLC35A3 (solute carrier family 35 member A3; plus strand). Cytogenetic location: 1p21.2.
Variant type: single nucleotide variant.
Coding change: c.-3A>G on transcript NM_012243.3 (MANE Select); 3 bases upstream of the start codon, A replaced by G.
Molecular consequence: 5 prime UTR variant. On other transcripts: missense variant (1).
Genome position (GRCh38, 1-based): chr1:99,993,552, A>G. VCF-style: chr1-99993552-A-G. GRCh37 (hg19) VCF-style: chr1-100459108-A-G.
Other names: c.-3A>G (NM_001271684.2, NM_001437713.1, NM_001437717.1 and 3 more transcripts); c.124A>G, p.Thr42Ala (NM_001271685.2); short protein forms T42A.
Identifiers: ClinVar variation 4681353 (VCV004681353.5).

ClinVar aggregate classification (germline): Likely benign (1 of 4 stars; one submission).

gnomAD v4.1: 145 of 1,613,702 alleles (0.009%); highest among the groups gnomAD compares: Middle Eastern, 0.099%; no homozygotes.

Submission:

CeGaT Center for Human Genetics Tuebingen
Classification: Likely benign. Last evaluated: 2025-12-01. Review status: criteria provided, single submitter. Criteria: CeGaT Center For Human Genetics Tuebingen Variant Classification Criteria Version 2. Collection method: clinical testing. Allele origin: germline. Affected: yes. Observed: 1 variant allele.
Comment: SLC35A3: BP4